The following is an entry in ClinVar:

ClinVar aggregate classification (germline): Conflicting classifications of pathogenicity. Review status: criteria provided, conflicting classifications (1 of 4 stars). 6 submissions from 6 submitters: Likely pathogenic (2); Uncertain significance (3). 1 of the submissions does not count toward it. Last evaluated 2026-01-26.

Conditions:
COL2A1-related disorder. Also called: COL2A1-related condition; COL2A1-related disorders.
Stickler syndrome type 1 (STL1). Also called: ARTHROOPHTHALMOPATHY, HEREDITARY PROGRESSIVE; COL2A1-Related Stickler Syndrome; STICKLER SYNDROME, MEMBRANOUS VITREOUS TYPE; STICKLER SYNDROME, VITREOUS TYPE 1. Identifiers: Orphanet 828, Orphanet 90653, MedGen C2020284, MONDO:0007160, OMIM 108300.

Submissions (6):

3billion
Classification: Uncertain significance for COL2A1-related disorder. Last evaluated: 2026-01-26. Review status: criteria provided, single submitter. Criteria: ACMG Guidelines, 2015. Collection method: clinical testing. Allele origin: germline. Affected: yes.
Comment: The variant is not observed in the gnomAD v4.1.0 dataset. Predicted Consequence/Location: Intron variant In silico tools predict the variant to alter splicing and produce an abnormal transcript [SpliceAI: 0.85 (>=0.2, moderate evidence for spliceogenicity)]. The variant has been reported to be associated with COL2A1-related disorder (PMID: 20179744). Therefore, this variant is classified as VUS according to the recommendation of ACMG/AMP guideline.

Biochemical Genetics Laboratory, National Taiwan University
Classification: Likely pathogenic for Stickler syndrome type 1. Last evaluated: 2025-12-03. Review status: criteria provided, single submitter. Criteria: ACMG Guidelines, 2015. Collection method: clinical testing. Allele origin: germline. Affected: yes.

Labcorp Genetics (formerly Invitae), Labcorp
Classification: Uncertain significance. Last evaluated: 2025-03-10. Review status: criteria provided, single submitter. Criteria: Invitae Variant Classification Sherloc (09022015). Collection method: clinical testing. Allele origin: germline.
Comment: This sequence change falls in intron 13 of the COL2A1 gene. It does not directly change the encoded amino acid sequence of the COL2A1 protein. It affects a nucleotide within the consensus splice site. This variant is not present in population databases (gnomAD no frequency). This variant has been observed in individual(s) with clinical features of Stickler syndrome (PMID: 20179744). ClinVar contains an entry for this variant (Variation ID: 194199). Variants that disrupt the consensus splice site are a relatively common cause of aberrant splicing (PMID: 17576681, 9536098). Algorithms developed to predict the effect of sequence changes on RNA splicing suggest that this variant may disrupt the consensus splice site. In summary, the available evidence is currently insufficient to determine the role of this variant in disease. Therefore, it has been classified as a Variant of Uncertain Significance.

GeneDx
Classification: Likely pathogenic. Last evaluated: 2021-03-05. Review status: criteria provided, single submitter. Criteria: GeneDx Variant Classification Process June 2021. Collection method: clinical testing. Allele origin: germline. Affected: yes.
Comment: Reported in ClinVar (ClinVar variant ID# 194199; Landrum et al., 2016); Not observed in large population cohorts (Lek et al., 2016); Damages or destroys the splice donor site in intron 13, and is expected to cause abnormal gene splicing; if the splice outcome is exon skip, the loss of the encoded residues in the triple helical region is expected to disrupt normal protein folding and function, and this is an established mechanism of disease (Stenson et al., 2014); Other splicing variants at the same nucleotide position (c.870+5 G>T) and the same splice donor site (c.870+1 G>A) have been reported in HGMD in association with Stickler syndrome (Stenson et al., 2014); This variant is associated with the following publications: (PMID: 30245029, 20179744, 25525159)

Eurofins Ntd Llc (ga)
Classification: Uncertain significance. Last evaluated: 2016-06-08. Review status: criteria provided, single submitter. Criteria: EGL Classification Definitions 2015. Collection method: clinical testing. Allele origin: germline. Observed: 4 variant alleles, 4 heterozygotes.

PreventionGenetics, part of Exact Sciences
Classification: Uncertain significance for COL2A1-related condition. Last evaluated: 2023-11-14. Review status: no assertion criteria provided. Collection method: clinical testing. Allele origin: germline. Not counted in ClinVar's aggregate classification.
Comment: The COL2A1 c.870+5G>A variant is predicted to interfere with splicing. This variant is predicted to decrease the strength of the canonical splice donor site (Alamut Visual Plus v1.61). This variant was reported in an individual with Stickler syndrome (Hoornaert. 2010. PubMed ID: 20179744) and in a cohort of individuals with hearing loss (c.663+5G>A in Table S3, Azaiez. 2018. PubMed ID: 30245029). This variant has not been reported in a large population database, indicating this variant is rare. At this time, the clinical significance of this variant is uncertain due to the absence of conclusive functional and genetic evidence.

Literature cited by the submitters: PubMed 20179744 (cited by 3 submitters); PubMed 17576681 (cited by Labcorp Genetics (formerly Invitae), Labcorp); PubMed 9536098 (cited by Labcorp Genetics (formerly Invitae), Labcorp).

NM_001844.5(COL2A1):c.870+5G>A

Gene: COL2A1 (collagen type II alpha 1 chain; minus strand). Cytogenetic location: 12q13.11.
Variant type: single nucleotide variant.
Coding change: c.870+5G>A on transcript NM_001844.5 (MANE Select); 5 bases into the intron after coding-DNA position 870, G replaced by A.
Molecular consequence: intron variant.
Genome position (GRCh38, 1-based): chr12:47,993,989, C>T on the plus strand (G>A on the coding strand, the complement: COL2A1 is on the minus strand). VCF-style: chr12-47993989-C-T. GRCh37 (hg19) VCF-style: chr12-48387772-C-T.
Other names: c.663+5G>A (NM_033150.3).
Identifiers: ClinVar variation 194199 (VCV000194199.20), dbSNP rs794727095, ClinGen allele CA240060.
Genomic context (GRCh38, chr12:47,993,989, plus strand): 5'-CCCAAAGTGCTTTTCTCTCCCACCAGGCATCTCTTCCTTCCAACCTTCTCACCCGTGATA[C>T]TTACTCTGTGACCTTTGACACCAGGAAGGCCTGGGGTTCCTGGGAAACCACGAGCACCCT-3'